The following is an entry in ClinVar:

NM_001099922.3(ALG13):c.106C>T (p.Arg36Ter)

Gene: ALG13 (ALG13 UDP-N-acetylglucosaminyltransferase subunit; plus strand). Cytogenetic location: Xq23.
Variant type: single nucleotide variant.
Coding change: c.106C>T on transcript NM_001099922.3 (MANE Select); coding-DNA position 106, C replaced by T.
Protein change: p.Arg36Ter; replaces arginine 36 with a stop codon.
Molecular consequence: nonsense. On other transcripts: 5 prime UTR variant (6), non-coding transcript variant (1), intron variant (5).
Genome position (GRCh38, 1-based): chrX:111,682,156, C>T. VCF-style: chrX-111682156-C-T. GRCh37 (hg19) VCF-style: chrX-110925384-C-T.
Other names: c.106C>T, p.Arg36Ter (NM_001039210.5, NM_001168385.3, NM_001324290.2 and 2 more transcripts); c.-70C>T (NM_001257231.2, NM_001257241.3); c.-207C>T (NM_001257237.2, NM_001257239.3, NM_001257240.3 and 1 more transcripts); c.-127-80C>T (NM_001257234.2, NM_001257230.2, NM_001257235.3 and 2 more transcripts); short protein forms R36*.
Identifiers: ClinVar variation 4795473 (VCV004795473.1).

ClinVar aggregate classification (germline): Uncertain significance (1 of 4 stars; one submission).

Submission:

GeneDx
Classification: Uncertain significance. Last evaluated: 2025-01-23. Review status: criteria provided, single submitter. Criteria: GeneDx Variant Classification Process June 2021. Collection method: clinical testing. Allele origin: germline. Affected: yes.
Comment: Not observed at significant frequency in large population cohorts (gnomAD); Has not been previously published as pathogenic or benign to our knowledge; Nonsense variant predicted to result in protein truncation or nonsense mediated decay in a gene for which loss-of-function is not an established mechanism of disease